The following is an entry in ClinVar:

ClinVar aggregate classification (germline): Uncertain significance (1 of 4 stars; one submission).

Conditions:
Neuropathy, hereditary sensory, type 2C. Also called: Hereditary sensory and autonomic neuropathy type IIC; KIF1A-Related HSAN2 (HSAN2C). Identifiers: Orphanet 970, MedGen C3280168, MONDO:0013634, OMIM 614213.
Intellectual disability, autosomal dominant 9 (NESCAVS). Also called: KIF1A-Related Neurodevelopmental Disorder; NESCAV SYNDROME. Identifiers: Orphanet 662367, MedGen C5393830, MONDO:0013656, OMIM 614255.
Hereditary spastic paraplegia 30. Identifiers: Orphanet 101010, MedGen C5235139, MONDO:0012476.

gnomAD v4.1: 4 of 1,590,150 alleles (0.00025%); highest among the groups gnomAD compares: Admixed American, 0.0018%; no homozygotes.

Submission:

Labcorp Genetics (formerly Invitae), Labcorp
Classification: Uncertain significance for Hereditary spastic paraplegia 30; Neuropathy, hereditary sensory, type 2C; Intellectual disability, autosomal dominant 9. Last evaluated: 2024-10-15. Review status: criteria provided, single submitter. Criteria: Invitae Variant Classification Sherloc (09022015). Collection method: clinical testing. Allele origin: germline.
Comment: This sequence change replaces arginine, which is basic and polar, with leucine, which is neutral and non-polar, at codon 1190 of the KIF1A protein (p.Arg1190Leu). This variant is not present in population databases (gnomAD no frequency). This variant has not been reported in the literature in individuals affected with KIF1A-related conditions. ClinVar contains an entry for this variant (Variation ID: 1026042). Invitae Evidence Modeling of protein sequence and biophysical properties (such as structural, functional, and spatial information, amino acid conservation, physicochemical variation, residue mobility, and thermodynamic stability) indicates that this missense variant is not expected to disrupt KIF1A protein function with a negative predictive value of 95%. In summary, the available evidence is currently insufficient to determine the role of this variant in disease. Therefore, it has been classified as a Variant of Uncertain Significance.

NM_001244008.2(KIF1A):c.3872G>T (p.Arg1291Leu)

Genes: KIF1A (kinesin family member 1A; minus strand), LOC126806583 (P300/CBP strongly-dependent group 1 enhancer GRCh37_chr2:241678910-241680109; plus strand). Cytogenetic location: 2q37.3.
Variant type: single nucleotide variant.
Coding change: c.3872G>T on transcript NM_001244008.2 (MANE Select); coding-DNA position 3872, G replaced by T.
Protein change: p.Arg1291Leu; replaces arginine 1291 with leucine.
Molecular consequence: missense variant.
Genome position (GRCh38, 1-based): chr2:240,740,087, C>A on the plus strand (G>T on the coding strand, the complement: KIF1A is on the minus strand). VCF-style: chr2-240740087-C-A. GRCh37 (hg19) VCF-style: chr2-241679504-C-A.
Other names: c.3596G>T, p.Arg1199Leu (NM_001320705.2, NM_001330289.2, NM_001379638.1); c.3671G>T, p.Arg1224Leu (NM_001330290.2, NM_001379634.1, NM_001379635.1 and 1 more transcripts); c.3947G>T, p.Arg1316Leu (NM_001379631.1); c.3821G>T, p.Arg1274Leu (NM_001379632.1); c.3845G>T, p.Arg1282Leu (NM_001379633.1, NM_001379642.1, NM_001379645.1); c.3569G>T, p.Arg1190Leu (NM_001379636.1, NM_001379639.1, NM_001379641.1 and 5 more transcripts); c.3644G>T, p.Arg1215Leu (NM_001379637.1, NM_001379648.1); c.3566G>T, p.Arg1189Leu (NM_001379640.1); short protein forms R1224L, R1274L, R1282L, R1291L, R1316L, R1189L, R1190L, R1199L.
Identifiers: ClinVar variation 1026042 (VCV001026042.9), dbSNP rs201653410, ClinGen allele CA351314284.
Genomic context (GRCh38, chr2:240,740,087, plus strand): 5'-CCCACCAAGGCAGCCCCCACACCGCACTCACCCACGACCAGCTCGCGCACTTCCTTCCAG[C>A]GGATATGGCTGCCTGTCTCATGCAGTAGTGTCACCGTAATCCGTCGCTGGATGCCCTGCC-3'
Protein context (NP_001230937.1, residues 1281-1301): TLLHETGSHI[Arg1291Leu]WKEVRELVVG